The following is an entry in ClinVar:

ClinVar aggregate classification (germline): Benign/Likely benign. Review status: criteria provided, multiple submitters, no conflicts (2 of 4 stars). 7 submissions from 7 submitters: Benign (1); Likely benign (6). Last evaluated 2026-01-30.

Conditions:
CAV3-related disorder. Also called: CAV3-related condition.
Cardiovascular phenotype. Identifiers: MedGen CN230736.
Long QT syndrome (LQTS). Identifiers: MedGen C0023976, MeSH D008133, MONDO:0002442. Disease mechanism: loss of function. Inheritance: Various modes of inheritance.

Allele frequency attached by ClinVar (database versions not stated): 1000 Genomes Project 0.00040; gnomAD exomes 0.00004 and 0.00002; ExAC 0.00007; TOPMed 0.00012; gnomAD 0.00015 and 0.00016; ESP Exome Variant Server 0.00023; 1000 Genomes Project 30x 0.00031.
gnomAD v4.1: 46 of 1,614,182 alleles (0.0028%); highest among the groups gnomAD compares: African/African-American, 0.057%; no homozygotes.

Submissions (7):

PreventionGenetics, part of Exact Sciences
Classification: Likely benign for CAV3-related condition. Last evaluated: 2026-01-30. Review status: criteria provided, single submitter. Criteria: ACMG Guidelines, 2015. Collection method: clinical testing. Allele origin: germline.
Comment: This variant is classified as likely benign based on ACMG/AMP sequence variant interpretation guidelines (Richards et al. 2015 PMID: 25741868, with internal and published modifications).

Labcorp Genetics (formerly Invitae), Labcorp
Classification: Likely benign for Long QT syndrome. Last evaluated: 2025-12-02. Review status: criteria provided, single submitter. Criteria: Invitae Variant Classification Sherloc (09022015). Collection method: clinical testing. Allele origin: germline.

Women's Health and Genetics/Laboratory Corporation of America, LabCorp
Classification: Benign. Last evaluated: 2025-07-24. Review status: criteria provided, single submitter. Criteria: LabCorp Variant Classification Summary - May 2015. Collection method: clinical testing. Allele origin: germline.

Blueprint Genetics
Classification: Likely benign. Last evaluated: 2024-09-04. Review status: criteria provided, single submitter. Criteria: ACMG Guidelines, 2015. Collection method: clinical testing. Allele origin: germline.

GeneDx
Classification: Likely benign. Last evaluated: 2017-11-08. Review status: criteria provided, single submitter. Criteria: GeneDx Variant Classification (06012015). Collection method: clinical testing. Allele origin: germline. Affected: yes.
Comment: This variant is considered likely benign or benign based on one or more of the following criteria: it is a conservative change, it occurs at a poorly conserved position in the protein, it is predicted to be benign by multiple in silico algorithms, and/or has population frequency not consistent with disease.

Ambry Genetics
Classification: Likely benign for Cardiovascular phenotype. Last evaluated: 2017-07-17. Review status: criteria provided, single submitter. Criteria: Ambry Variant Classification Scheme 2023. Collection method: clinical testing. Allele origin: germline.

Laboratory for Molecular Medicine, Mass General Brigham Personalized Medicine
Classification: Likely benign. Last evaluated: 2012-04-11. Review status: criteria provided, single submitter. Criteria: LMM Criteria. Collection method: clinical testing. Allele origin: germline. Observed: 1 variant allele.
Comment: Pro48Pro in Exon 02 of CAV3: This variant is not expected to have clinical signi ficance because it does not alter an amino acid residue, is not located within t he splice consensus sequence. It has been identified in 0.1% (3/3738) of African American chromosomes from a broad population by the NHLBI Exome Sequencing Proj ect (dbSNP rs149287333). Pro48Pro in Exon 02 of CAV3 (allele frequency = 0.1%, 3/3738; dbSNP rs149287333) **

NM_033337.3(CAV3):c.144T>C (p.Pro48=)

Genes: CAV3 (caveolin 3; plus strand), OXTR (oxytocin receptor; minus strand). Cytogenetic location: 3p25.3.
Variant type: single nucleotide variant.
Coding change: c.144T>C on transcript NM_033337.3 (MANE Select); coding-DNA position 144, T replaced by C.
Protein change: p.Pro48=; no amino-acid change (proline 48 retained).
Molecular consequence: synonymous variant.
Genome position (GRCh38, 1-based): chr3:8,745,555, T>C. VCF-style: chr3-8745555-T-C. GRCh37 (hg19) VCF-style: chr3-8787241-T-C.
Other names: c.144T>C, p.Pro48= (NM_001234.5).
Identifiers: ClinVar variation 46533 (VCV000046533.21), dbSNP rs149287333, ClinGen allele CA138560.